The following is an entry in ClinVar:

NM_022765.4(MICAL1):c.2787+5A>G

Gene: MICAL1 (microtubule associated monooxygenase, calponin and LIM domain containing 1; minus strand). Cytogenetic location: 6q21.
Variant type: single nucleotide variant.
Coding change: c.2787+5A>G on transcript NM_022765.4 (MANE Select); 5 bases into the intron after coding-DNA position 2787, A replaced by G.
Molecular consequence: intron variant.
Genome position (GRCh38, 1-based): chr6:109,445,411, T>C on the plus strand (A>G on the coding strand, the complement: MICAL1 is on the minus strand). VCF-style: chr6-109445411-T-C. GRCh37 (hg19) VCF-style: chr6-109766614-T-C.
Other names: c.2844+5A>G (NM_001286613.2); c.2529+5A>G (NM_001159291.2).
Identifiers: ClinVar variation 2970648 (VCV002970648.3), dbSNP rs1393787801, ClinGen allele CA569582617.

ClinVar aggregate classification (germline): Uncertain significance (1 of 4 stars; one submission).

Allele frequency attached by ClinVar (database versions not stated): gnomAD exomes below 0.00001; gnomAD 0.00001; TOPMed 0.00001.

Submission:

Labcorp Genetics (formerly Invitae), Labcorp
Classification: Uncertain significance. Last evaluated: 2023-07-17. Review status: criteria provided, single submitter. Criteria: Invitae Variant Classification Sherloc (09022015). Collection method: clinical testing. Allele origin: germline.
Comment: In summary, the available evidence is currently insufficient to determine the role of this variant in disease. Therefore, it has been classified as a Variant of Uncertain Significance. Variants that disrupt the consensus splice site are a relatively common cause of aberrant splicing (PMID: 17576681, 9536098). Algorithms developed to predict the effect of sequence changes on RNA splicing suggest that this variant is not likely to affect RNA splicing. This variant has not been reported in the literature in individuals affected with MICAL1-related conditions. This variant is present in population databases (no rsID available, gnomAD 0.007%). This sequence change falls in intron 21 of the MICAL1 gene. It does not directly change the encoded amino acid sequence of the MICAL1 protein. It affects a nucleotide within the consensus splice site.

Literature cited by the submitters: PubMed 17576681; PubMed 9536098.